The following is an entry in ClinVar:

NM_004168.4(SDHA):c.929G>A (p.Gly310Glu)

Gene: SDHA (succinate dehydrogenase complex flavoprotein subunit A; plus strand). Cytogenetic location: 5p15.33.
Variant type: single nucleotide variant.
Coding change: c.929G>A on transcript NM_004168.4 (MANE Select); coding-DNA position 929, G replaced by A.
Protein change: p.Gly310Glu; replaces glycine 310 with glutamic acid.
Molecular consequence: missense variant.
Genome position (GRCh38, 1-based): chr5:233,510, G>A. VCF-style: chr5-233510-G-A. GRCh37 (hg19) VCF-style: chr5-233625-G-A.
Other names: c.785G>A, p.Gly262Glu (NM_001294332.2); c.929G>A, p.Gly310Glu (NM_001330758.2); c.929G>A (NM_004168.2); short protein forms G262E, G310E.
Identifiers: ClinVar variation 2435783 (VCV002435783.6), dbSNP rs760542965, ClinGen allele CA3173040.

ClinVar aggregate classification (germline): Uncertain significance. Review status: criteria provided, multiple submitters, no conflicts (2 of 4 stars). 3 submissions from 3 submitters: Uncertain significance (3). Last evaluated 2025-10-08.

Conditions:
Pheochromocytoma/paraganglioma syndrome 5. Also called: Paragangliomas 5; SDHA-Related Hereditary Paraganglioma-Pheochromocytoma Syndrome. Identifiers: Orphanet 29072, MedGen C3279992, MONDO:0013602, OMIM 614165.
Mitochondrial complex II deficiency, nuclear type 1. Also called: SUCCINATE CoQ REDUCTASE DEFICIENCY. Identifiers: Orphanet 3208, MedGen C5700310, MONDO:0100294, OMIM 252011.
Hereditary cancer-predisposing syndrome. Also called: Neoplastic Syndromes, Hereditary; Tumor predisposition; Hereditary Cancer Syndrome; Hereditary neoplastic syndrome. Identifiers: Orphanet 140162, MedGen C0027672, MeSH D009386, MONDO:0015356.

Allele frequency attached by ClinVar (database versions not stated): gnomAD exomes below 0.00001; ExAC 0.00001.
gnomAD v4.1: 6 of 1,614,236 alleles (0.00037%); highest among the groups gnomAD compares: South Asian, 0.0033%; no homozygotes.

Submissions (3):

Labcorp Genetics (formerly Invitae), Labcorp
Classification: Uncertain significance for Pheochromocytoma/paraganglioma syndrome 5; Mitochondrial complex II deficiency, nuclear type 1. Last evaluated: 2025-10-08. Review status: criteria provided, single submitter. Criteria: Invitae Variant Classification Sherloc (09022015). Collection method: clinical testing. Allele origin: germline.
Comment: This sequence change replaces glycine, which is neutral and non-polar, with glutamic acid, which is acidic and polar, at codon 310 of the SDHA protein (p.Gly310Glu). This variant is present in population databases (rs760542965, gnomAD 0.01%). This variant has not been reported in the literature in individuals affected with SDHA-related conditions. ClinVar contains an entry for this variant (Variation ID: 2435783). Invitae Evidence Modeling of protein sequence and biophysical properties (such as structural, functional, and spatial information, amino acid conservation, physicochemical variation, residue mobility, and thermodynamic stability) indicates that this missense variant is not expected to disrupt SDHA protein function with a negative predictive value of 95%. In summary, the available evidence is currently insufficient to determine the role of this variant in disease. Therefore, it has been classified as a Variant of Uncertain Significance.

Ambry Genetics
Classification: Uncertain significance for Hereditary cancer-predisposing syndrome. Last evaluated: 2025-02-15. Review status: criteria provided, single submitter. Criteria: Ambry Variant Classification Scheme 2023. Collection method: clinical testing. Allele origin: germline.
Comment: The p.G310E variant (also known as c.929G>A), located in coding exon 8 of the SDHA gene, results from a G to A substitution at nucleotide position 929. The glycine at codon 310 is replaced by glutamic acid, an amino acid with similar properties. This amino acid position is conserved. In addition, this alteration is predicted to be deleterious by in silico analysis. Based on the available evidence, the clinical significance of this variant remains unclear.

Revvity Omics, Revvity
Classification: Uncertain significance. Last evaluated: 2022-05-13. Review status: criteria provided, single submitter. Criteria: ACMG Guidelines, 2015. Collection method: clinical testing. Allele origin: germline.